The following is an entry in ClinVar:

NM_001081.4(CUBN):c.797A>G (p.Glu266Gly)

Gene: CUBN (cubilin; minus strand). Cytogenetic location: 10p13.
Variant type: single nucleotide variant.
Coding change: c.797A>G on transcript NM_001081.4 (MANE Select); coding-DNA position 797, A replaced by G.
Protein change: p.Glu266Gly; replaces glutamic acid 266 with glycine.
Molecular consequence: missense variant.
Genome position (GRCh38, 1-based): chr10:17,114,113, T>C on the plus strand (A>G on the coding strand, the complement: CUBN is on the minus strand). VCF-style: chr10-17114113-T-C. GRCh37 (hg19) VCF-style: chr10-17156112-T-C.
Other names: short protein forms E266G.
Identifiers: ClinVar variation 1392316 (VCV001392316.6), dbSNP rs2131312260, ClinGen allele CA376165587.

ClinVar aggregate classification (germline): Uncertain significance (1 of 4 stars; one submission).

Conditions:
Imerslund-Grasbeck syndrome. Also called: Megaloblastic anemia due to inborn errors of metabolism; ENTEROCYTE COBALAMIN MALABSORPTION; ENTEROCYTE INTRINSIC FACTOR RECEPTOR, DEFECT OF; Imerslund-Gräsbeck syndrome; PERNICIOUS ANEMIA, JUVENILE, DUE TO SELECTIVE INTESTINAL MALABSORPTION OF VITAMIN B12, WITH PROTEINURIA. Identifiers: Orphanet 35858, MedGen C4551825, MONDO:0009853.

Submission:

Labcorp Genetics (formerly Invitae), Labcorp
Classification: Uncertain significance for Imerslund-Grasbeck syndrome. Last evaluated: 2022-04-09. Review status: criteria provided, single submitter. Criteria: Invitae Variant Classification Sherloc (09022015). Collection method: clinical testing. Allele origin: germline.
Comment: In summary, the available evidence is currently insufficient to determine the role of this variant in disease. Therefore, it has been classified as a Variant of Uncertain Significance. Algorithms developed to predict the effect of missense changes on protein structure and function are either unavailable or do not agree on the potential impact of this missense change (SIFT: "Deleterious"; PolyPhen-2: "Probably Damaging"; Align-GVGD: "Class C0"). This missense change has been observed in individual(s) with clinical features of Imerslund-Gräsbeck syndrome (Invitae). In at least one individual the data is consistent with being in trans (on the opposite chromosome) from a pathogenic variant. This variant is not present in population databases (gnomAD no frequency). This sequence change replaces glutamic acid, which is acidic and polar, with glycine, which is neutral and non-polar, at codon 266 of the CUBN protein (p.Glu266Gly).